The following is an entry in ClinVar:

ClinVar aggregate classification (germline): Uncertain significance (1 of 4 stars; one submission).

Conditions:
COL1A1-related disorder. Also called: COL1A1- related disease; COL1A1-related condition.

Submission:

3billion
Classification: Uncertain significance for COL1A1-related disorder. Last evaluated: 2024-07-11. Review status: criteria provided, single submitter. Criteria: ACMG Guidelines, 2015. Collection method: clinical testing. Allele origin: germline. Affected: yes.
Comment: The variant is not observed in the gnomAD v4.0.0 dataset. Predicted Consequence/Location: Synonymous variant In silico tools predict the variant to alter splicing and produce an abnormal transcript [SpliceAI: 0.40 (>=0.2, moderate evidence for spliceogenicity)]. Therefore, this variant is classified as VUS according to the recommendation of ACMG/AMP guideline.

NM_000088.4(COL1A1):c.1515G>A (p.Lys505=)

Gene: COL1A1 (collagen type I alpha 1 chain; minus strand). Cytogenetic location: 17q21.33.
Variant type: single nucleotide variant.
Coding change: c.1515G>A on transcript NM_000088.4 (MANE Select); coding-DNA position 1515, G replaced by A.
Protein change: p.Lys505=; no amino-acid change (lysine 505 retained).
Molecular consequence: synonymous variant.
Genome position (GRCh38, 1-based): chr17:50,194,573, C>T on the plus strand (G>A on the coding strand, the complement: COL1A1 is on the minus strand). VCF-style: chr17-50194573-C-T. GRCh37 (hg19) VCF-style: chr17-48271934-C-T.
Identifiers: ClinVar variation 4292320 (VCV004292320.1).